The following is an entry in ClinVar:

NM_001206744.2(TPO):c.2748G>C (p.Gln916His)

Genes: LALTOP (lung cancer associated lncRNA targeting TOP2A; minus strand), TPO (thyroid peroxidase; plus strand), LOC126806104 (CDK7 strongly-dependent group 2 enhancer GRCh37_chr2:1544276-1545475; plus strand). Cytogenetic location: 2p25.3.
Variant type: single nucleotide variant.
Coding change: c.2748G>C on transcript NM_001206744.2 (MANE Select); coding-DNA position 2748, G replaced by C.
Protein change: p.Gln916His; replaces glutamine 916 with histidine.
Molecular consequence: missense variant.
Genome position (GRCh38, 1-based): chr2:1,540,723, G>C. VCF-style: chr2-1540723-G-C. GRCh37 (hg19) VCF-style: chr2-1544495-G-C.
Other names: c.2748G>C, p.Gln916His (NM_000547.6); c.2577G>C, p.Gln859His (NM_001206745.2, NM_175719.4); c.2616G>C, p.Gln872His (NM_175721.3); c.2229G>C, p.Gln743His (NM_175722.3); short protein forms Q743H, Q859H, Q872H, Q916H.
Identifiers: ClinVar variation 4687125 (VCV004687125.1).

ClinVar aggregate classification (germline): Uncertain significance (1 of 4 stars; one submission).

gnomAD v4.1: 1 of 1,613,352 alleles (0.000062%); highest among the groups gnomAD compares: South Asian, 0.0011%; no homozygotes.

Submission:

Women's Health and Genetics/Laboratory Corporation of America, LabCorp
Classification: Uncertain significance. Last evaluated: 2025-10-21. Review status: criteria provided, single submitter. Criteria: LabCorp Variant Classification Summary - May 2015. Collection method: clinical testing. Allele origin: germline.
Comment: Variant summary: TPO c.2748G>C (p.Gln916His) results in a non-conservative amino acid change in the encoded protein sequence. Algorithms developed to predict the effect of missense changes on protein structure and function are either unavailable or do not agree on the potential impact of this missense change. Several computational tools predict a significant impact on normal splicing: One predicts the variant abolishes a 5' splicing donor site and two predict the variant weakens a 5' donor site. However, these predictions have yet to be confirmed by functional studies. The variant allele was found at a frequency of 4e-06 in 249862 control chromosomes. The available data on variant occurrences in the general population are insufficient to allow any conclusion about variant significance. To our knowledge, no occurrence of c.2748G>C in individuals affected with TPO-related conditions and no experimental evidence demonstrating its impact on protein function have been reported. No submitters have cited clinical-significance assessments for this variant to ClinVar. Based on the evidence outlined above, the variant was classified as uncertain significance.